The following is an entry in ClinVar:

ClinVar aggregate classification (germline): Likely pathogenic (1 of 4 stars; one submission).

Submission:

GeneDx
Classification: Likely pathogenic. Last evaluated: 2025-01-14. Review status: criteria provided, single submitter. Criteria: GeneDx Variant Classification Process June 2021. Collection method: clinical testing. Allele origin: germline. Affected: yes.
Comment: Canonical splice site variant predicted to result in a null allele in a gene for which loss of function is a known mechanism of disease; No data available from control populations to assess the frequency of this variant; Has not been previously published as pathogenic or benign to our knowledge

NM_020791.4(TAOK1):c.-94-1G>A

Gene: TAOK1 (TAO kinase 1; plus strand). Cytogenetic location: 17q11.2.
Variant type: single nucleotide variant.
Coding change: c.-94-1G>A on transcript NM_020791.4 (MANE Select); the canonical splice acceptor site of the intron before 94 bases upstream of the start codon, G replaced by A.
Molecular consequence: splice acceptor variant.
Genome position (GRCh38, 1-based): chr17:29,451,454, G>A. VCF-style: chr17-29451454-G-A. GRCh37 (hg19) VCF-style: chr17-27778472-G-A.
Other names: c.-94-1G>A (NM_025142.1).
Identifiers: ClinVar variation 4070629 (VCV004070629.1).